The following is an entry in ClinVar:

NM_006237.4(POU4F1):c.594C>A (p.His198Gln)

Genes: OBI1-AS1 (OBI1 antisense RNA 1; plus strand), POU4F1 (POU class 4 homeobox 1; minus strand). Cytogenetic location: 13q31.1.
Variant type: single nucleotide variant.
Coding change: c.594C>A on transcript NM_006237.4 (MANE Select); coding-DNA position 594, C replaced by A.
Protein change: p.His198Gln; replaces histidine 198 with glutamine.
Molecular consequence: missense variant.
Genome position (GRCh38, 1-based): chr13:78,602,081, G>T on the plus strand (C>A on the coding strand, the complement: POU4F1 is on the minus strand). VCF-style: chr13-78602081-G-T. GRCh37 (hg19) VCF-style: chr13-79176216-G-T.
Other names: short protein forms H198Q.
Identifiers: ClinVar variation 2643867 (VCV002643867.24), dbSNP rs1874722541, ClinGen allele CA388426989.

ClinVar aggregate classification (germline): Uncertain significance (1 of 4 stars; one submission).

Submission:

CeGaT Center for Human Genetics Tuebingen
Classification: Uncertain significance. Last evaluated: 2022-06-01. Review status: criteria provided, single submitter. Criteria: CeGaT Center For Human Genetics Tuebingen Variant Classification Criteria Version 2. Collection method: clinical testing. Allele origin: germline. Affected: yes. Observed: 1 variant allele.
Comment: POU4F1: PM2